The following is an entry in ClinVar:

ClinVar aggregate classification (germline): Pathogenic (1 of 4 stars; one submission).

Conditions:
Hereditary cancer-predisposing syndrome. Also called: Tumor predisposition; Neoplastic Syndromes, Hereditary; Hereditary neoplastic syndrome; Hereditary Cancer Syndrome. Identifiers: Orphanet 140162, MedGen C0027672, MeSH D009386, MONDO:0015356.

Submission:

Ambry Genetics
Classification: Pathogenic for Hereditary cancer-predisposing syndrome. Last evaluated: 2024-07-16. Review status: criteria provided, single submitter. Criteria: Ambry Variant Classification Scheme 2023. Collection method: clinical testing. Allele origin: germline.
Comment: The c.2161_2171del11 pathogenic mutation, located in coding exon 8 of the AXIN2 gene, results from a deletion of 11 nucleotides at nucleotide positions 2161 to 2171, causing a translational frameshift with a predicted alternate stop codon (p.Q721Efs*39). This variant is considered to be rare based on population cohorts in the Genome Aggregation Database (gnomAD). This alteration is expected to result in loss of function by premature protein truncation or nonsense-mediated mRNA decay. As such, this alteration is interpreted as a disease-causing mutation.

NM_004655.4(AXIN2):c.2161_2171del (p.Gln721fs)

Gene: AXIN2 (axin 2; minus strand). Cytogenetic location: 17q24.1.
Variant type: Deletion.
Coding change: c.2161_2171del on transcript NM_004655.4 (MANE Select); coding-DNA positions 2161 to 2171, 11 bases deleted (CAGAGGGACAG).
Protein change: p.Gln721fs; shifts the reading frame from glutamine 721.
Molecular consequence: frameshift variant.
Genome position (GRCh38, 1-based): chr17:65,535,692-65,535,702, CTGTCCCTCTG deleted on the plus strand (CAGAGGGACAG on the coding strand, the reverse complement: AXIN2 is on the minus strand); deleting any 11 consecutive bases within chr17:65,535,692-65,535,705 gives the same sequence; the c. name uses the placement nearest the transcript's 3' end. VCF-style (leftmost placement, unchanged base first): chr17-65535691-CCTGTCCCTCTG-C. GRCh37 (hg19) VCF-style: chr17-63531809-CCTGTCCCTCTG-C.
Other names: c.1966_1976del, p.Gln656fs (NM_001363813.1); c.2161_2171del11 (NM_004655.3); short protein forms Q656fs, Q721fs.
Identifiers: ClinVar variation 3469943 (VCV003469943.1).